The following is an entry in ClinVar:

NM_001401501.2(MUC16):c.36956C>G (p.Thr12319Ser)

Gene: MUC16 (mucin 16, cell surface associated; minus strand). Cytogenetic location: 19p13.2.
Variant type: single nucleotide variant.
Coding change: c.36956C>G on transcript NM_001401501.2 (MANE Select); coding-DNA position 36956, C replaced by G.
Protein change: p.Thr12319Ser; replaces threonine 12319 with serine.
Molecular consequence: missense variant.
Genome position (GRCh38, 1-based): chr19:8,915,540, G>C on the plus strand (C>G on the coding strand, the complement: MUC16 is on the minus strand). VCF-style: chr19-8915540-G-C. GRCh37 (hg19) VCF-style: chr19-9026216-G-C.
Other names: c.37382C>G, p.Thr12461Ser (NM_001414686.1); c.36836C>G, p.Thr12279Ser (NM_001414687.1); c.36770C>G, p.Thr12257Ser (NM_024690.2); short protein forms T12257S, T12279S, T12319S, T12461S.
Identifiers: ClinVar variation 3042669 (VCV003042669.2), dbSNP rs76265586, ClinGen allele CA9165597.

ClinVar aggregate classification (germline): Benign (0 of 4 stars; one submission).

Conditions:
MUC16-related disorder. Also called: MUC16-related condition.

Allele frequency attached by ClinVar (database versions not stated): ESP Exome Variant Server 0.00397; TOPMed 0.00405; 1000 Genomes Project 30x 0.00406; 1000 Genomes Project 0.00459.

Submission:

PreventionGenetics, part of Exact Sciences
Classification: Benign for MUC16-related condition. Last evaluated: 2019-03-18. Review status: no assertion criteria provided. Collection method: clinical testing. Allele origin: germline.
Comment: This variant is classified as benign based on ACMG/AMP sequence variant interpretation guidelines (Richards et al. 2015 PMID: 25741868, with internal and published modifications).